The following is an entry in ClinVar:

ClinVar aggregate classification (germline): Benign. Review status: criteria provided, multiple submitters, no conflicts (2 of 4 stars). 2 submissions from 2 submitters: Benign (2). Last evaluated 2018-01-13.

Conditions:
Neurofibromatosis, type 2 (SWNV). Also called: SCHWANNOMATOSIS, VESTIBULAR; BILATERAL ACOUSTIC NEUROFIBROMATOSIS; NF2-Related Schwannomatosis. Identifiers: Orphanet 637, MedGen C0027832, MONDO:0007039, OMIM 101000. Disease mechanism: loss of function.

Allele frequency attached by ClinVar (database versions not stated): 1000 Genomes Project 30x 0.26483; 1000 Genomes Project 0.26538; gnomAD 0.30909 and 0.31213; TOPMed 0.31091; gnomAD exomes 0.34919.
gnomAD v4.1: 54,231 of 172,452 alleles (31%); highest among the groups gnomAD compares: Non-Finnish European, 37%; 8,993 homozygotes.

Submissions (2):

Illumina Laboratory Services, Illumina
Classification: Benign for Neurofibromatosis, type 2. Last evaluated: 2018-01-13. Review status: criteria provided, single submitter. Criteria: ICSL Variant Classification Criteria 13 December 2019. Collection method: clinical testing. Allele origin: germline.
Comment: This variant was observed in the ICSL laboratory as part of a predisposition screen in an ostensibly healthy population. It had not been previously curated by ICSL or reported in the Human Gene Mutation Database (HGMD: prior to June 1st, 2018), and was therefore a candidate for classification through an automated scoring system. Utilizing variant allele frequency, disease prevalence and penetrance estimates, and inheritance mode, an automated score was calculated to assess if this variant is too frequent to cause the disease. Based on the score and internal cut-off values, a variant classified as benign is not then subjected to further curation. The score for this variant resulted in a classification of benign for this disease.

Breakthrough Genomics
Classification: Benign. Review status: criteria provided, single submitter. Criteria: ACMG Guidelines, 2015. Collection method: not provided. Allele origin: germline. Inheritance: Autosomal dominant inheritance. Affected: yes.

NM_000268.4(NF2):c.*2876T>C

Gene: NF2 (NF2, moesin-ezrin-radixin like (MERLIN) tumor suppressor; plus strand). Cytogenetic location: 22q12.2.
Variant type: single nucleotide variant.
Coding change: c.*2876T>C on transcript NM_000268.4 (MANE Select); 2876 bases downstream of the stop codon, T replaced by C.
Molecular consequence: 3 prime UTR variant. On other transcripts: non-coding transcript variant (1).
Genome position (GRCh38, 1-based): chr22:29,697,678, T>C. VCF-style: chr22-29697678-T-C. GRCh37 (hg19) VCF-style: chr22-30093667-T-C.
Other names: c.*2936T>C (NM_016418.5, NM_181828.3, NM_181829.3 and 1 more transcripts); c.*2951T>C (NM_181832.3); c.*2876T>C (NM_181833.3).
Identifiers: ClinVar variation 341157 (VCV000341157.6), dbSNP rs5763431, ClinGen allele CA10654019.